The following is an entry in ClinVar:

NM_017654.4(SAMD9):c.3973G>A (p.Glu1325Lys)

Gene: SAMD9 (sterile alpha motif domain containing 9; minus strand). Cytogenetic location: 7q21.2.
Variant type: single nucleotide variant.
Coding change: c.3973G>A on transcript NM_017654.4 (MANE Select); coding-DNA position 3973, G replaced by A.
Protein change: p.Glu1325Lys; replaces glutamic acid 1325 with lysine.
Molecular consequence: missense variant.
Genome position (GRCh38, 1-based): chr7:93,102,125, C>T on the plus strand (G>A on the coding strand, the complement: SAMD9 is on the minus strand). VCF-style: chr7-93102125-C-T. GRCh37 (hg19) VCF-style: chr7-92731438-C-T.
Other names: c.3973G>A, p.Glu1325Lys (NM_001193307.2); short protein forms E1325K.
Identifiers: ClinVar variation 2795100 (VCV002795100.3), dbSNP rs2535354330, ClinGen allele CA368181469.
Genomic context (GRCh38, chr7:93,102,125, plus strand): 5'-AAAACTTGTCTGCTTTTAAAGCTACTAGGTTTCTCCTGCATCTCTCTACTTGAAGTGGCT[C>T]ACTGAACTTTGATCCAAGACCTGTGTTGTTTTGTGATTCTTCTAAGAGACAAAATATATC-3'
Protein context (NP_060124.2, residues 1315-1335): NNTGLGSKFS[Glu1325Lys]PLQVERCRRN

ClinVar aggregate classification (germline): Uncertain significance (1 of 4 stars; one submission).

Submission:

Labcorp Genetics (formerly Invitae), Labcorp
Classification: Uncertain significance. Last evaluated: 2024-12-09. Review status: criteria provided, single submitter. Criteria: Invitae Variant Classification Sherloc (09022015). Collection method: clinical testing. Allele origin: germline.
Comment: This sequence change replaces glutamic acid, which is acidic and polar, with lysine, which is basic and polar, at codon 1325 of the SAMD9 protein (p.Glu1325Lys). This variant is not present in population databases (gnomAD no frequency). This variant has not been reported in the literature in individuals affected with SAMD9-related conditions. ClinVar contains an entry for this variant (Variation ID: 2795100). Invitae Evidence Modeling of protein sequence and biophysical properties (such as structural, functional, and spatial information, amino acid conservation, physicochemical variation, residue mobility, and thermodynamic stability) indicates that this missense variant is not expected to disrupt SAMD9 protein function with a negative predictive value of 95%. In summary, the available evidence is currently insufficient to determine the role of this variant in disease. Therefore, it has been classified as a Variant of Uncertain Significance.